The following is an entry in ClinVar:

NM_005560.6(LAMA5):c.6914C>G (p.Ser2305Trp)

Gene: LAMA5 (laminin subunit alpha 5; minus strand). Cytogenetic location: 20q13.33.
Variant type: single nucleotide variant.
Coding change: c.6914C>G on transcript NM_005560.6 (MANE Select); coding-DNA position 6914, C replaced by G.
Protein change: p.Ser2305Trp; replaces serine 2305 with tryptophan.
Molecular consequence: missense variant.
Genome position (GRCh38, 1-based): chr20:62,318,971, G>C on the plus strand (C>G on the coding strand, the complement: LAMA5 is on the minus strand). VCF-style: chr20-62318971-G-C. GRCh37 (hg19) VCF-style: chr20-60894027-G-C.
Other names: c.6914C>G (NM_005560.4); short protein forms S2305W.
Identifiers: ClinVar variation 1599528 (VCV001599528.10), dbSNP rs539739323, ClinGen allele CA9941499.

ClinVar aggregate classification (germline): Benign. Review status: criteria provided, single submitter (1 of 4 stars). 2 submissions from 2 submitters: Benign (1). 1 of the submissions does not count toward it. Last evaluated 2025-10-15.

Conditions:
LAMA5-related disorder. Also called: LAMA5-related condition; LAMA5-Related Disorders.

Allele frequency attached by ClinVar (database versions not stated): 1000 Genomes Project 30x 0.00141; 1000 Genomes Project 0.00180.
gnomAD v4.1: 652 of 1,594,402 alleles (0.041%); highest among the groups gnomAD compares: South Asian, 0.66%; 8 homozygotes.

Submissions (2):

Labcorp Genetics (formerly Invitae), Labcorp
Classification: Benign. Last evaluated: 2025-10-15. Review status: criteria provided, single submitter. Criteria: Invitae Variant Classification Sherloc (09022015). Collection method: clinical testing. Allele origin: germline.

PreventionGenetics, part of Exact Sciences
Classification: Benign for LAMA5-related condition. Last evaluated: 2019-03-26. Review status: no assertion criteria provided. Collection method: clinical testing. Allele origin: germline. Not counted in ClinVar's aggregate classification.
Comment: This variant is classified as benign based on ACMG/AMP sequence variant interpretation guidelines (Richards et al. 2015 PMID: 25741868, with internal and published modifications).